The following is an entry in ClinVar:

NM_000092.5(COL4A4):c.242C>A (p.Ala81Asp)

Gene: COL4A4 (collagen type IV alpha 4 chain; minus strand). Cytogenetic location: 2q36.3.
Variant type: single nucleotide variant.
Coding change: c.242C>A on transcript NM_000092.5 (MANE Select); coding-DNA position 242, C replaced by A.
Protein change: p.Ala81Asp; replaces alanine 81 with aspartic acid.
Molecular consequence: missense variant.
Genome position (GRCh38, 1-based): chr2:227,121,099, G>T on the plus strand (C>A on the coding strand, the complement: COL4A4 is on the minus strand). VCF-style: chr2-227121099-G-T. GRCh37 (hg19) VCF-style: chr2-227985815-G-T.
Other names: short protein forms A81D.
Identifiers: ClinVar variation 1307039 (VCV001307039.3), dbSNP rs747022394, ClinGen allele CA2145734.

ClinVar aggregate classification (germline): Uncertain significance. Review status: criteria provided, multiple submitters, no conflicts (2 of 4 stars). 2 submissions from 2 submitters: Uncertain significance (2). Last evaluated 2020-09-25.

Allele frequency attached by ClinVar (database versions not stated): ExAC 0.00001; gnomAD 0.00001; gnomAD exomes 0.00001; TOPMed 0.00004.
gnomAD v4.1: 43 of 1,613,992 alleles (0.0027%); highest among the groups gnomAD compares: African/African-American, 0.0067%; no homozygotes.

Submissions (2):

Labcorp Genetics (formerly Invitae), Labcorp
Classification: Uncertain significance. Last evaluated: 2020-09-25. Review status: criteria provided, single submitter. Criteria: Invitae Variant Classification Sherloc (09022015). Collection method: clinical testing. Allele origin: germline.
Comment: This sequence change replaces alanine with aspartic acid at codon 81 of the COL4A4 protein (p.Ala81Asp). The alanine residue is weakly conserved and there is a moderate physicochemical difference between alanine and aspartic acid. This variant is present in population databases (rs747022394, ExAC 0.002%). This variant has not been reported in the literature in individuals with COL4A4-related conditions. Advanced modeling of protein sequence and biophysical properties (such as structural, functional, and spatial information, amino acid conservation, physicochemical variation, residue mobility, and thermodynamic stability) performed at Invitae indicates that this missense variant is not expected to disrupt COL4A4 protein function. In summary, the available evidence is currently insufficient to determine the role of this variant in disease. Therefore, it has been classified as a Variant of Uncertain Significance.

GeneDx
Classification: Uncertain significance. Last evaluated: 2019-07-18. Review status: criteria provided, single submitter. Criteria: GeneDx Variant Classification Process June 2021. Collection method: clinical testing. Allele origin: germline. Affected: yes.
Comment: Not observed at a significant frequency in large population cohorts (Lek et al., 2016); In silico analysis, which includes protein predictors and evolutionary conservation, supports that this variant does not alter protein structure/function; Has not been previously published as pathogenic or benign to our knowledge